The following is an entry in ClinVar:

ClinVar aggregate classification (germline): Uncertain significance. Review status: criteria provided, multiple submitters, no conflicts (2 of 4 stars). 3 submissions from 3 submitters: Uncertain significance (3). Last evaluated 2025-12-23.

Conditions:
ERCC2-related disorder. Also called: ERCC2-related disorders; ERCC2-related conditions; ERCC2-related condition. Identifiers: MedGen CN239291.

Submissions (3):

Myriad Genetics, Inc.
Classification: Uncertain significance for ERCC2-related disorder. Last evaluated: 2025-12-23. Review status: criteria provided, single submitter. Criteria: Myriad Autosomal Dominant, Autosomal Recessive and X-Linked Classification Criteria (2023). Collection method: clinical testing. Allele origin: unknown.
Comment: NM_000400.3(ERCC2):c.2057G>A(R686H) is a missense variant classified as a variant of uncertain significance in the context of ERCC2-related disorders. R686H has not been observed in cases with relevant disease. Relevant functional assessments of this variant are not available in the literature. R686H has been observed in referenced population frequency databases. In summary, there is insufficient evidence to classify NM_000400.3(ERCC2):c.2057G>A(R686H) as pathogenic or benign. Please note: this variant was assessed in the context of healthy population screening.

Dasa
Classification: Uncertain significance. Last evaluated: 2025-04-14. Review status: criteria provided, single submitter. Criteria: DASA Assertion Criteria. Collection method: clinical testing. Allele origin: germline.
Comment: NM_000400.4(ERCC2):c.2057G>A (p.Arg686His) is a missense variant that results in the substitution of arginine with histidine. The affected residue or protein region has prior evidence supporting clinical relevance. This variant is rare in population databases. Computational prediction algorithms are consistent with a deleterious effect. The currently available literature and clinical evidence are not sufficient to establish a definitive association between this variant and the reported condition. Therefore, this variant is classified as a variant of uncertain significance.

Women's Health and Genetics/Laboratory Corporation of America, LabCorp
Classification: Uncertain significance. Last evaluated: 2024-08-23. Review status: criteria provided, single submitter. Criteria: LabCorp Variant Classification Summary - May 2015. Collection method: clinical testing. Allele origin: germline.
Comment: Variant summary: ERCC2 c.2057G>A (p.Arg686His) results in a non-conservative amino acid change in the encoded protein sequence. Five of five in-silico tools predict a damaging effect of the variant on protein function. The variant allele was found at a frequency of 2e-05 in 251154 control chromosomes in the gnomAD database, including 1 homozygotes. The available data on variant occurrences in the general population are insufficient to allow any conclusion about variant significance. To our knowledge, no occurrence of c.2057G>A in individuals affected with Xeroderma Pigmentosum and no experimental evidence demonstrating its impact on protein function have been reported. No submitters have cited clinical-significance assessments for this variant to ClinVar. Based on the evidence outlined above, the variant was classified as uncertain significance.

NM_000400.4(ERCC2):c.2057G>A (p.Arg686His)

Gene: ERCC2 (ERCC excision repair 2, TFIIH core complex helicase subunit; minus strand). Cytogenetic location: 19q13.32.
Variant type: single nucleotide variant.
Coding change: c.2057G>A on transcript NM_000400.4 (MANE Select); coding-DNA position 2057, G replaced by A.
Protein change: p.Arg686His; replaces arginine 686 with histidine.
Molecular consequence: missense variant.
Genome position (GRCh38, 1-based): chr19:45,352,342, C>T on the plus strand (G>A on the coding strand, the complement: ERCC2 is on the minus strand). VCF-style: chr19-45352342-C-T. GRCh37 (hg19) VCF-style: chr19-45855600-C-T.
Other names: short protein forms R686H.
Identifiers: ClinVar variation 3366623 (VCV003366623.4).